The following is an entry in ClinVar:

NM_003238.6(TGFB2):c.999A>T (p.Lys333Asn)

Gene: TGFB2 (transforming growth factor beta 2; plus strand). Cytogenetic location: 1q41.
Variant type: single nucleotide variant.
Coding change: c.999A>T on transcript NM_003238.6 (MANE Select); coding-DNA position 999, A replaced by T.
Protein change: p.Lys333Asn; replaces lysine 333 with asparagine.
Molecular consequence: missense variant. On other transcripts: non-coding transcript variant (2).
Genome position (GRCh38, 1-based): chr1:218,437,409, A>T. VCF-style: chr1-218437409-A-T. GRCh37 (hg19) VCF-style: chr1-218610751-A-T.
Other names: c.999A>T (NM_003238.3); c.1083A>T, p.Lys361Asn (NM_001135599.4); short protein forms K333N, K361N.
Identifiers: ClinVar variation 2441864 (VCV002441864.2), dbSNP rs1190246942, ClinGen allele CA344727537.

ClinVar aggregate classification (germline): Uncertain significance. Review status: criteria provided, multiple submitters, no conflicts (2 of 4 stars). 2 submissions from 2 submitters: Uncertain significance (2). Last evaluated 2024-08-12.

Conditions:
Familial thoracic aortic aneurysm and aortic dissection (TAAD). Also called: Thoracic aortic aneurysms and dissections. Identifiers: Orphanet 91387, MedGen C4707243, MONDO:0019625.
Loeys-Dietz syndrome 4 (LDS4). Also called: ANEURYSM, AORTIC AND CEREBRAL, WITH ARTERIAL TORTUOSITY AND SKELETAL MANIFESTATIONS; TGFB2-Related Loeys-Dietz Syndrome. Identifiers: MedGen C3553762, MONDO:0013897, OMIM 614816.

Allele frequency attached by ClinVar (database versions not stated): TOPMed below 0.00001.

Submissions (2):

Ambry Genetics
Classification: Uncertain significance for Familial thoracic aortic aneurysm and aortic dissection. Last evaluated: 2024-08-12. Review status: criteria provided, single submitter. Criteria: Ambry Variant Classification Scheme 2023. Collection method: clinical testing. Allele origin: germline.
Comment: The p.K333N variant (also known as c.999A>T), located in coding exon 6 of the TGFB2 gene, results from an A to T substitution at nucleotide position 999. The lysine at codon 333 is replaced by asparagine, an amino acid with similar properties. This amino acid position is conserved. In addition, this alteration is predicted to be tolerated by in silico analysis. Based on the available evidence, the clinical significance of this variant remains unclear.

Baylor Genetics
Classification: Uncertain significance for Loeys-Dietz syndrome 4. Last evaluated: 2022-11-14. Review status: criteria provided, single submitter. Criteria: ACMG Guidelines, 2015. Collection method: clinical testing. Allele origin: unknown.